The following is an entry in ClinVar:

NM_001267550.2(TTN):c.66650T>G (p.Phe22217Cys)

Genes: TTN-AS1 (TTN antisense RNA 1; plus strand), TTN (titin; minus strand). Cytogenetic location: 2q31.2.
Variant type: single nucleotide variant.
Coding change: c.66650T>G on transcript NM_001267550.2 (MANE Select); coding-DNA position 66650, T replaced by G.
Protein change: p.Phe22217Cys; replaces phenylalanine 22217 with cysteine.
Molecular consequence: missense variant.
Genome position (GRCh38, 1-based): chr2:178,581,618, A>C on the plus strand (T>G on the coding strand, the complement: TTN is on the minus strand). VCF-style: chr2-178581618-A-C. GRCh37 (hg19) VCF-style: chr2-179446345-A-C.
Other names: p.F20576C:TTT>TGT; c.61727T>G, p.Phe20576Cys (NM_001256850.1); c.39455T>G, p.Phe13152Cys (NM_003319.4); c.58946T>G, p.Phe19649Cys (NM_133378.4); c.39830T>G, p.Phe13277Cys (NM_133432.3); c.40031T>G, p.Phe13344Cys (NM_133437.4); c.66650T>G (NM_001267550.1); short protein forms F22217C, F20576C, F19649C, F13277C, F13152C, F13344C.
Identifiers: ClinVar variation 196004 (VCV000196004.21), dbSNP rs764330098, ClinGen allele CA302871.
Genomic context (GRCh38, chr2:178,581,618, plus strand): 5'-TTATTAACGGCATACACACGGAATTGATATTGTGTGTCTTCCATCAGGCCAGTAACCTCA[A>C]AGCGGGTTTTCTGTAGATTCTGTGGTAAGTTGCACCTCACCCAGTTATCGGAGTCAGCCC-3'
Protein context (NP_001254479.2, residues 22207-22227): NLPQNLQKTR[Phe22217Cys]EVTGLMEDTQ

ClinVar aggregate classification (germline): Conflicting classifications of pathogenicity. Review status: criteria provided, conflicting classifications (1 of 4 stars). 7 submissions from 7 submitters: Uncertain significance (5); Likely benign (1). 1 of the submissions does not count toward it. Last evaluated 2026-03-27.

Conditions:
TTN-related disorder. Also called: TTN-related condition; TTN-related disease; TTN-related disorders.
Cardiovascular phenotype. Identifiers: MedGen CN230736.
Autosomal recessive limb-girdle muscular dystrophy type 2J (LGMDR10). Also called: Limb-girdle muscular dystrophy, type 2J; MUSCULAR DYSTROPHY, LIMB-GIRDLE, AUTOSOMAL RECESSIVE 10. Identifiers: Orphanet 140922, MedGen C1837342, MONDO:0012127, OMIM 608807.
Dilated cardiomyopathy 1G (CMD1G). Identifiers: Orphanet 154, MedGen C1858763, MONDO:0011400, OMIM 604145.

Allele frequency attached by ClinVar (database versions not stated): gnomAD exomes 0.00001 and 0.00002; ExAC 0.00001; TOPMed 0.00005; gnomAD 0.00003.
gnomAD v4.1: 25 of 1,612,682 alleles (0.0016%); highest among the groups gnomAD compares: Admixed American, 0.0083%; no homozygotes.

Submissions (7):

Molecular Diagnostic Laboratory for Inherited Cardiovascular Disease, Montreal Heart Institute
Classification: Likely benign. Last evaluated: 2026-03-27. Review status: criteria provided, single submitter. Criteria: ACMG Guidelines, 2015. Collection method: clinical testing. Allele origin: germline. Affected: no.
Comment: BP1

GeneDx
Classification: Uncertain significance. Last evaluated: 2025-10-04. Review status: criteria provided, single submitter. Criteria: GeneDx Variant Classification Process June 2021. Collection method: clinical testing. Allele origin: germline. Affected: yes.
Comment: Reported in a patient with hypertrophic cardiomyopathy; however, further clinical information was not provided (PMID: 35207729); Not observed at significant frequency in large population cohorts (gnomAD); Missense variant in a gene in which most reported pathogenic variants are truncating/loss of function; This variant is associated with the following publications: (PMID: 35207729)

Revvity Omics, Revvity
Classification: Uncertain significance. Last evaluated: 2020-03-12. Review status: criteria provided, single submitter. Criteria: ACMG Guidelines, 2015. Collection method: clinical testing. Allele origin: germline.

Ambry Genetics
Classification: Uncertain significance for Cardiovascular phenotype. Last evaluated: 2020-03-02. Review status: criteria provided, single submitter. Criteria: Ambry Variant Classification Scheme 2023. Collection method: clinical testing. Allele origin: germline.
Comment: The p.F13152C variant (also known as c.39455T>G), located in coding exon 143 of the TTN gene, results from a T to G substitution at nucleotide position 39455. The phenylalanine at codon 13152 is replaced by cysteine, an amino acid with highly dissimilar properties. This amino acid position is well conserved in available vertebrate species. In addition, this alteration is predicted to be tolerated by in silico analysis. Since supporting evidence is limited at this time, the clinical significance of this alteration remains unclear.

Labcorp Genetics (formerly Invitae), Labcorp
Classification: Uncertain significance for Dilated cardiomyopathy 1G; Autosomal recessive limb-girdle muscular dystrophy type 2J. Last evaluated: 2018-08-09. Review status: criteria provided, single submitter. Criteria: Invitae Variant Classification Sherloc (09022015). Collection method: clinical testing. Allele origin: germline.
Comment: This sequence change replaces phenylalanine with cysteine at codon 22217 of the TTN protein (p.Phe22217Cys). The phenylalanine residue is moderately conserved and there is a large physicochemical difference between phenylalanine and cysteine. This variant is present in population databases (rs764330098, ExAC 0.002%). This variant has not been reported in the literature in individuals with TTN-related disease. ClinVar contains an entry for this variant (Variation ID: 196004). Algorithms developed to predict the effect of missense changes on protein structure and function are unavailable for the TTN gene. This variant identified in the TTN gene is located in the A band of the resulting protein (PMID: 25589632). It is unclear how this variant impacts the function of this protein. Algorithms developed to predict the effect of sequence changes on RNA splicing suggest that this variant may create or strengthen a splice site, but this prediction has not been confirmed by published transcriptional studies. In summary, the available evidence is currently insufficient to determine the role of this variant in disease. Therefore, it has been classified as a Variant of Uncertain Significance.

Eurofins Ntd Llc (ga)
Classification: Uncertain significance. Last evaluated: 2014-12-12. Review status: criteria provided, single submitter. Criteria: EGL Classification Definitions 2015. Collection method: clinical testing. Allele origin: germline. Observed: 1 variant allele, 1 heterozygote.

PreventionGenetics, part of Exact Sciences
Classification: Uncertain significance for TTN-related condition. Last evaluated: 2024-07-22. Review status: no assertion criteria provided. Collection method: clinical testing. Allele origin: germline. Not counted in ClinVar's aggregate classification.
Comment: The TTN c.66650T>G variant is predicted to result in the amino acid substitution p.Phe22217Cys. To our knowledge, this variant has not been reported in the literature. This variant is reported in 0.0057% of alleles in individuals of Latino descent in gnomAD. At this time, the clinical significance of this variant is uncertain due to the absence of conclusive functional and genetic evidence.

Literature cited by the submitters: PubMed 25589632 (cited by Ambry Genetics and Labcorp Genetics (formerly Invitae), Labcorp).